The following is an entry in ClinVar:

ClinVar aggregate classification (germline): Uncertain significance (1 of 4 stars; one submission).

Submission:

Labcorp Genetics (formerly Invitae), Labcorp
Classification: Uncertain significance. Last evaluated: 2022-08-05. Review status: criteria provided, single submitter. Criteria: Invitae Variant Classification Sherloc (09022015). Collection method: clinical testing. Allele origin: germline.
Comment: This sequence change creates a premature translational stop signal (p.Ser1142*) in the ALPK1 gene. It is expected to result in an absent or disrupted protein product. However, the current clinical and genetic evidence is not sufficient to establish whether loss-of-function variants in ALPK1 cause disease. This variant is not present in population databases (gnomAD no frequency). This variant has not been reported in the literature in individuals affected with ALPK1-related conditions. In summary, the available evidence is currently insufficient to determine the role of this variant in disease. Therefore, it has been classified as a Variant of Uncertain Significance.

NM_025144.4(ALPK1):c.3425C>G (p.Ser1142Ter)

Gene: ALPK1 (alpha kinase 1; plus strand). Cytogenetic location: 4q25.
Variant type: single nucleotide variant.
Coding change: c.3425C>G on transcript NM_025144.4 (MANE Select); coding-DNA position 3425, C replaced by G.
Protein change: p.Ser1142Ter; replaces serine 1142 with a stop codon.
Molecular consequence: nonsense.
Genome position (GRCh38, 1-based): chr4:112,439,759, C>G. VCF-style: chr4-112439759-C-G. GRCh37 (hg19) VCF-style: chr4-113360915-C-G.
Other names: c.3425C>G, p.Ser1142Ter (NM_001102406.2); c.3191C>G, p.Ser1064Ter (NM_001253884.2); short protein forms S1142*, S1064*.
Identifiers: ClinVar variation 2016338 (VCV002016338.4), dbSNP rs2476518294, ClinGen allele CA357909116.